The following is an entry in ClinVar:

ClinVar aggregate classification (germline): Uncertain significance (1 of 4 stars; one submission).

Submission:

Labcorp Genetics (formerly Invitae), Labcorp
Classification: Uncertain significance. Last evaluated: 2025-07-02. Review status: criteria provided, single submitter. Criteria: Invitae Variant Classification Sherloc (09022015). Collection method: clinical testing. Allele origin: germline.
Comment: This sequence change replaces alanine, which is neutral and non-polar, with valine, which is neutral and non-polar, at codon 1373 of the POLE protein (p.Ala1373Val). This variant is not present in population databases (gnomAD no frequency). This variant has not been reported in the literature in individuals affected with POLE-related conditions. Invitae Evidence Modeling of protein sequence and biophysical properties (such as structural, functional, and spatial information, amino acid conservation, physicochemical variation, residue mobility, and thermodynamic stability) indicates that this missense variant is not expected to disrupt POLE protein function with a negative predictive value of 80%. In summary, the available evidence is currently insufficient to determine the role of this variant in disease. Therefore, it has been classified as a Variant of Uncertain Significance.

NM_006231.4(POLE):c.4118C>T (p.Ala1373Val)

Gene: POLE (DNA polymerase epsilon, catalytic subunit; minus strand). Cytogenetic location: 12q24.33.
Variant type: single nucleotide variant.
Coding change: c.4118C>T on transcript NM_006231.4 (MANE Select); coding-DNA position 4118, C replaced by T.
Protein change: p.Ala1373Val; replaces alanine 1373 with valine.
Molecular consequence: missense variant.
Genome position (GRCh38, 1-based): chr12:132,648,960, G>A on the plus strand (C>T on the coding strand, the complement: POLE is on the minus strand). VCF-style: chr12-132648960-G-A. GRCh37 (hg19) VCF-style: chr12-133225546-G-A.
Other names: short protein forms A1373V.
Identifiers: ClinVar variation 4742104 (VCV004742104.1).